The following is an entry in ClinVar:

ClinVar aggregate classification (germline): Uncertain significance (1 of 4 stars; one submission).

Conditions:
Progressive familial heart block type IB (PFHB1B). Identifiers: Orphanet 871, MedGen C1970298, MONDO:0011474, OMIM 604559.

Submission:

Labcorp Genetics (formerly Invitae), Labcorp
Classification: Uncertain significance for Progressive familial heart block type IB. Last evaluated: 2022-03-18. Review status: criteria provided, single submitter. Criteria: Invitae Variant Classification Sherloc (09022015). Collection method: clinical testing. Allele origin: germline.
Comment: This sequence change replaces lysine, which is basic and polar, with arginine, which is basic and polar, at codon 1140 of the TRPM4 protein (p.Lys1140Arg). This variant is not present in population databases (gnomAD no frequency). This variant has not been reported in the literature in individuals affected with TRPM4-related conditions. ClinVar contains an entry for this variant (Variation ID: 409635). Algorithms developed to predict the effect of missense changes on protein structure and function (SIFT, PolyPhen-2, Align-GVGD) all suggest that this variant is likely to be tolerated. In summary, the available evidence is currently insufficient to determine the role of this variant in disease. Therefore, it has been classified as a Variant of Uncertain Significance.

NM_017636.4(TRPM4):c.3419A>G (p.Lys1140Arg)

Gene: TRPM4 (transient receptor potential cation channel subfamily M member 4; plus strand). Cytogenetic location: 19q13.33.
Variant type: single nucleotide variant.
Coding change: c.3419A>G on transcript NM_017636.4 (MANE Select); coding-DNA position 3419, A replaced by G.
Protein change: p.Lys1140Arg; replaces lysine 1140 with arginine.
Molecular consequence: missense variant.
Genome position (GRCh38, 1-based): chr19:49,210,800, A>G. VCF-style: chr19-49210800-A-G. GRCh37 (hg19) VCF-style: chr19-49714057-A-G.
Other names: c.2984A>G, p.Lys995Arg (NM_001195227.2); c.3074A>G, p.Lys1025Arg (NM_001321281.2); c.1811A>G, p.Lys604Arg (NM_001321282.2); c.2897A>G, p.Lys966Arg (NM_001321283.2); c.2357A>G, p.Lys786Arg (NM_001321285.2); short protein forms K1140R, K966R, K786R, K995R, K1025R, K604R.
Identifiers: ClinVar variation 409635 (VCV000409635.8), dbSNP rs1060502508, ClinGen allele CA16616096.